The following is an entry in ClinVar:

NM_000388.4(CASR):c.664G>A (p.Gly222Arg)

Gene: CASR (calcium sensing receptor; plus strand). Cytogenetic location: 3q21.1.
Variant type: single nucleotide variant.
Coding change: c.664G>A on transcript NM_000388.4 (MANE Select); coding-DNA position 664, G replaced by A.
Protein change: p.Gly222Arg; replaces glycine 222 with arginine.
Molecular consequence: missense variant.
Genome position (GRCh38, 1-based): chr3:122,261,699, G>A. VCF-style: chr3-122261699-G-A. GRCh37 (hg19) VCF-style: chr3-121980546-G-A.
Other names: c.664G>A, p.Gly222Arg (NM_001178065.2); short protein forms G222R.
Identifiers: ClinVar variation 1331538 (VCV001331538.7), dbSNP rs2107632066, ClinGen allele CA354151076.
Genomic context (GRCh38, chr3:122,261,699, plus strand): 5'-GAGTATTTCCGCTGGAACTGGGTGGGCACAATTGCAGCTGATGACGACTATGGGCGGCCG[G>A]GGATTGAGAAATTCCGAGAGGAAGCTGAGGAAAGGGATATCTGCATCGACTTCAGTGAAC-3'
Protein context (NP_000379.3, residues 212-232): IAADDDYGRP[Gly222Arg]IEKFREEAEE

ClinVar aggregate classification (germline): Conflicting classifications of pathogenicity. Review status: criteria provided, conflicting classifications (1 of 4 stars). 4 submissions from 4 submitters: Likely pathogenic (1); Uncertain significance (3). Last evaluated 2025-12-08.

Conditions:
Familial hypocalciuric hypercalcemia 1. Also called: Hypercalcemia, familial benign type 1. Identifiers: Orphanet 405, Orphanet 93372, MedGen C0342637, MONDO:0007791, OMIM 145980.
Nephrolithiasis/nephrocalcinosis. Identifiers: MedGen CN580796.
Autosomal dominant hypocalcemia 1 (HYPOC1). Also called: HYPOCALCEMIA, FAMILIAL. Identifiers: MedGen C3715128, MONDO:0011013, OMIM 601198.
Familial hypocalciuric hypercalcemia (FHH). Also called: Familial benign hypercalcemia. Identifiers: Orphanet 405, MedGen C1809471, MONDO:0018458.

Allele frequency attached by ClinVar (database versions not stated): gnomAD exomes below 0.00001.
gnomAD v4.1: 1 of 1,614,236 alleles (0.000062%); highest among the groups gnomAD compares: South Asian, 0.0011%; no homozygotes.

Submissions (4):

Labcorp Genetics (formerly Invitae), Labcorp
Classification: Uncertain significance for Familial hypocalciuric hypercalcemia; Autosomal dominant hypocalcemia 1. Last evaluated: 2025-12-08. Review status: criteria provided, single submitter. Criteria: Invitae Variant Classification Sherloc (09022015). Collection method: clinical testing. Allele origin: germline.
Comment: This sequence change replaces glycine, which is neutral and non-polar, with arginine, which is basic and polar, at codon 222 of the CASR protein (p.Gly222Arg). This variant is not present in population databases (gnomAD no frequency). This variant has not been reported in the literature in individuals affected with CASR-related conditions. ClinVar contains an entry for this variant (Variation ID: 1331538). An algorithm developed to predict the effect of missense changes on protein structure and function (PolyPhen-2) suggests that this variant is likely to be disruptive. In summary, the available evidence is currently insufficient to determine the role of this variant in disease. Therefore, it has been classified as a Variant of Uncertain Significance.

Victorian Clinical Genetics Services, Murdoch Childrens Research Institute
Classification: Uncertain significance for Familial hypocalciuric hypercalcemia 1. Last evaluated: 2024-09-21. Review status: criteria provided, single submitter. Criteria: ACMG Guidelines, 2015. Collection method: clinical testing. Allele origin: germline. Inheritance: Autosomal dominant inheritance. Affected: yes.
Comment: Based on the classification scheme VCGS_Germline_v1.3.4, this variant is classified as VUS-3A. Following criteria are met: 0103 - Dominant negative and loss of function are known mechanisms of disease in this gene and are associated with hypocalciuric hypercalcaemia (MIM#145980) and neonatal hyperparathyroidism (MIM#239200). Gain of function is associated with hypocalcaemia, with or without Bartter syndrome (MIM#601198) (PMIDs: 22422767, 26646938). (I) 0108 - This gene is associated with both recessive and dominant disease. (OMIM). (I) 0115 - Variants in this gene are known to have variable expressivity. Intrafamilial variability has been reported (PMID: 11807402). (I) 0200 - Variant is predicted to result in a missense amino acid change from glycine to arginine. (I) 0251 - This variant is heterozygous. (I) 0301 - Variant is absent from gnomAD (both v2 and v3). (SP) 0501 - Missense variant consistently predicted to be damaging by multiple in silico tools or highly conserved with a major amino acid change. (SP) 0600 - Variant is located in the annotated ligand binding domain (DECIPHER, NCBI). (I) 0710 - Another missense variant comparable to the one identified in this case has inconclusive previous evidence for pathogenicity. An alternative change, p.(Gly222Glu), has been described as VUS in ClinVar, and without classification in an individual with hypocalciuric hypercalcaemia (PMID: 30407919). (I) 0803 - This variant has limited previous evidence of pathogenicity in an unrelated individual. This variant has previously been reported as likely pathogenic (ClinVar). (SP) 0905 - No published segregation evidence has been identified for this variant. (I) 1007 - No published functional evidence has been identified for this variant. (I) 1208 - Inheritance information for this variant is not currently available in this individual. (I) Legend: (SP) - Supporting pathogenic, (I) - Information, (SB) - Supporting benign

Ambry Genetics
Classification: Uncertain significance for Nephrolithiasis/nephrocalcinosis. Last evaluated: 2023-11-06. Review status: criteria provided, single submitter. Criteria: Ambry Variant Classification Scheme 2023. Collection method: clinical testing. Allele origin: germline.
Comment: The p.G222R variant (also known as c.664G>A), located in coding exon 3 of the CASR gene, results from a G to A substitution at nucleotide position 664. The glycine at codon 222 is replaced by arginine, an amino acid with dissimilar properties. This amino acid position is conserved. In addition, this alteration is predicted to be deleterious by in silico analysis. Since supporting evidence is limited at this time, the clinical significance of this alteration remains unclear.

Greenwood Genetic Center Diagnostic Laboratories, Greenwood Genetic Center
Classification: Likely pathogenic. Last evaluated: 2020-12-08. Review status: criteria provided, single submitter. Criteria: ACMG Guidelines, 2015. Collection method: clinical testing. Allele origin: germline. Affected: yes.
Comment: PP2, PP3, PM1, PM2

Literature cited by the submitters: PubMed 11807402 (cited by Victorian Clinical Genetics Services, Murdoch Childrens Research Institute); PubMed 22422767 (cited by Victorian Clinical Genetics Services, Murdoch Childrens Research Institute); PubMed 26646938 (cited by Victorian Clinical Genetics Services, Murdoch Childrens Research Institute); PubMed 30407919 (cited by Victorian Clinical Genetics Services, Murdoch Childrens Research Institute).